The following is an entry in ClinVar:

ClinVar aggregate classification (germline): Conflicting classifications of pathogenicity. Review status: criteria provided, conflicting classifications (1 of 4 stars). 3 submissions from 3 submitters: Uncertain significance (2); Likely benign (1). Last evaluated 2026-01-05.

Conditions:
Pyruvate carboxylase deficiency. Also called: LEIGH NECROTIZING ENCEPHALOPATHY DUE TO PYRUVATE CARBOXYLASE DEFICIENCY; LEIGH SYNDROME DUE TO PYRUVATE CARBOXYLASE DEFICIENCY; PC DEFICIENCY; ATAXIA WITH LACTIC ACIDOSIS II; Pyruvate Carboxylase Deficiency Disease. Identifiers: Orphanet 3008, MedGen C0034341, MONDO:0009949, OMIM 266150.
Inborn genetic diseases. Identifiers: MedGen C0950123, MeSH D030342.

Allele frequency attached by ClinVar (database versions not stated): ESP Exome Variant Server 0.00008; gnomAD 0.00014; TOPMed 0.00014.
gnomAD v4.1: 273 of 1,608,940 alleles (0.017%); highest among the groups gnomAD compares: Non-Finnish European, 0.022%; no homozygotes.

Submissions (3):

Labcorp Genetics (formerly Invitae), Labcorp
Classification: Likely benign for Pyruvate carboxylase deficiency. Last evaluated: 2026-01-05. Review status: criteria provided, single submitter. Criteria: Invitae Variant Classification Sherloc (09022015). Collection method: clinical testing. Allele origin: germline.

GeneDx
Classification: Uncertain significance. Last evaluated: 2024-12-13. Review status: criteria provided, single submitter. Criteria: GeneDx Variant Classification Process June 2021. Collection method: clinical testing. Allele origin: germline. Affected: yes.
Comment: In silico analysis indicates that this missense variant does not alter protein structure/function; Has not been previously published as pathogenic or benign to our knowledge

Ambry Genetics
Classification: Uncertain significance for Inborn genetic diseases. Last evaluated: 2021-09-13. Review status: criteria provided, single submitter. Criteria: Ambry Variant Classification Scheme 2023. Collection method: clinical testing. Allele origin: germline.

NM_001040716.2(PC):c.190G>A (p.Val64Ile)

Gene: PC (pyruvate carboxylase; minus strand). Cytogenetic location: 11q13.2.
Variant type: single nucleotide variant.
Coding change: c.190G>A on transcript NM_001040716.2 (MANE Select); coding-DNA position 190, G replaced by A.
Protein change: p.Val64Ile; replaces valine 64 with isoleucine.
Molecular consequence: missense variant.
Genome position (GRCh38, 1-based): chr11:66,871,818, C>T on the plus strand (G>A on the coding strand, the complement: PC is on the minus strand). VCF-style: chr11-66871818-C-T. GRCh37 (hg19) VCF-style: chr11-66639289-C-T.
Other names: c.190G>A, p.Val64Ile (NM_000920.4, NM_022172.3); short protein forms V64I.
Identifiers: ClinVar variation 1202040 (VCV001202040.8), dbSNP rs35698729, ClinGen allele CA6132275.